The following is an entry in ClinVar:

ClinVar aggregate classification (germline): Uncertain significance. Review status: criteria provided, multiple submitters, no conflicts (2 of 4 stars). 2 submissions from 2 submitters: Uncertain significance (2). Last evaluated 2022-11-01.

Allele frequency attached by ClinVar (database versions not stated): ExAC 0.00002; gnomAD exomes 0.00002.
gnomAD v4.1: 13 of 1,614,082 alleles (0.00081%); highest among the groups gnomAD compares: South Asian, 0.0055%; no homozygotes.

Submissions (2):

Labcorp Genetics (formerly Invitae), Labcorp
Classification: Uncertain significance. Last evaluated: 2022-11-01. Review status: criteria provided, single submitter. Criteria: Invitae Variant Classification Sherloc (09022015). Collection method: clinical testing. Allele origin: germline.
Comment: This sequence change replaces aspartic acid, which is acidic and polar, with asparagine, which is neutral and polar, at codon 375 of the SULF1 protein (p.Asp375Asn). This variant is present in population databases (rs749362185, gnomAD 0.01%). In summary, the available evidence is currently insufficient to determine the role of this variant in disease. Therefore, it has been classified as a Variant of Uncertain Significance. Algorithms developed to predict the effect of missense changes on protein structure and function (SIFT, PolyPhen-2, Align-GVGD) all suggest that this variant is likely to be tolerated. ClinVar contains an entry for this variant (Variation ID: 497794). This variant has not been reported in the literature in individuals affected with SULF1-related conditions.

Eurofins Ntd Llc (ga)
Classification: Uncertain significance. Last evaluated: 2016-10-14. Review status: criteria provided, single submitter. Criteria: EGL Classification Definitions 2015. Collection method: clinical testing. Allele origin: germline. Observed: 1 variant allele, 1 heterozygote.

NM_001128205.2(SULF1):c.1123G>A (p.Asp375Asn)

Gene: SULF1 (sulfatase 1; plus strand). Cytogenetic location: 8q13.3.
Variant type: single nucleotide variant.
Coding change: c.1123G>A on transcript NM_001128205.2 (MANE Select); coding-DNA position 1123, G replaced by A.
Protein change: p.Asp375Asn; replaces aspartic acid 375 with asparagine.
Molecular consequence: missense variant. On other transcripts: non-coding transcript variant (3).
Genome position (GRCh38, 1-based): chr8:69,603,253, G>A. VCF-style: chr8-69603253-G-A. GRCh37 (hg19) VCF-style: chr8-70515488-G-A.
Other names: c.1123G>A, p.Asp375Asn (NM_001128204.2, NM_001128206.2, NM_015170.3); short protein forms D375N.
Identifiers: ClinVar variation 497794 (VCV000497794.11), dbSNP rs749362185, ClinGen allele CA4775791.
Genomic context (GRCh38, chr8:69,603,253, plus strand): 5'-GTCCCACAGATCGTTCTCAACATTGACTTGGCCCCCACGATCCTGGATATTGCTGGGCTC[G>A]ACACACCTCCTGATGTGGACGGCAAGTCTGTCCTCAAACTTCTGGACCCAGAAAAGCCAG-3'
Protein context (NP_001121677.1, residues 365-385): APTILDIAGL[Asp375Asn]TPPDVDGKSV